The following is an entry in ClinVar:

ClinVar aggregate classification (germline): Uncertain significance (1 of 4 stars; one submission).

Conditions:
Idiopathic generalized epilepsy. Also called: Generalised epilepsy; EIG. Identifiers: MedGen C0270850, MONDO:0005579, OMIM 600669.
Hyperaldosteronism, familial, type IV (HALD4). Also called: FH IV; ALDOSTERONISM, PRIMARY, AND HYPERTENSION. Identifiers: Orphanet 642671, MedGen C4310756, MONDO:0014875, OMIM 617027.

Allele frequency attached by ClinVar (database versions not stated): gnomAD 0.00001; TOPMed 0.00001; ExAC 0.00006; 1000 Genomes Project 30x 0.00016.
gnomAD v4.1: 20 of 1,543,226 alleles (0.0013%); highest among the groups gnomAD compares: East Asian, 0.0048%; no homozygotes.

Submission:

Labcorp Genetics (formerly Invitae), Labcorp
Classification: Uncertain significance for Idiopathic generalized epilepsy; Hyperaldosteronism, familial, type IV. Last evaluated: 2024-02-17. Review status: criteria provided, single submitter. Criteria: Invitae Variant Classification Sherloc (09022015). Collection method: clinical testing. Allele origin: germline.
Comment: This sequence change replaces alanine, which is neutral and non-polar, with threonine, which is neutral and polar, at codon 1137 of the CACNA1H protein (p.Ala1137Thr). This variant is not present in population databases (gnomAD no frequency). This variant has not been reported in the literature in individuals affected with CACNA1H-related conditions. Advanced modeling of protein sequence and biophysical properties (such as structural, functional, and spatial information, amino acid conservation, physicochemical variation, residue mobility, and thermodynamic stability) performed at Invitae indicates that this missense variant is not expected to disrupt CACNA1H protein function with a negative predictive value of 80%. In summary, the available evidence is currently insufficient to determine the role of this variant in disease. Therefore, it has been classified as a Variant of Uncertain Significance.

NM_021098.3(CACNA1H):c.3409G>A (p.Ala1137Thr)

Gene: CACNA1H (calcium voltage-gated channel subunit alpha1 H; plus strand). Cytogenetic location: 16p13.3.
Variant type: single nucleotide variant.
Coding change: c.3409G>A on transcript NM_021098.3 (MANE Select); coding-DNA position 3409, G replaced by A.
Protein change: p.Ala1137Thr; replaces alanine 1137 with threonine.
Molecular consequence: missense variant.
Genome position (GRCh38, 1-based): chr16:1,209,077, G>A. VCF-style: chr16-1209077-G-A. GRCh37 (hg19) VCF-style: chr16-1259077-G-A.
Other names: c.3409G>A, p.Ala1137Thr (NM_001005407.2); short protein forms A1137T.
Identifiers: ClinVar variation 2922658 (VCV002922658.3), dbSNP rs762362357, ClinGen allele CA7800761.
Genomic context (GRCh38, chr16:1,209,077, plus strand): 5'-CCCGCCACCCCCCAGGCCAGCCTCCGAAGTTCTCCCTGTGCCCCCTGGGGCCCCAGTGGC[G>A]CCTGGAGCAGCCGGCGCTCCAGCTGGAGCAGCCTGGGCCGTGCCCCCAGCCTCAAGCGCC-3'
Protein context (NP_066921.2, residues 1127-1147): SPCAPWGPSG[Ala1137Thr]WSSRRSSWSS